The following is an entry in ClinVar:

ClinVar aggregate classification (germline): Benign. Review status: criteria provided, single submitter (1 of 4 stars). 2 submissions from 2 submitters: Benign (1). 1 of the submissions does not count toward it. Last evaluated 2026-01-17.

Conditions:
APC2-related disorder. Also called: APC2-related condition; APC2-Related Disorders.

Allele frequency attached by ClinVar (database versions not stated): gnomAD 0.00097 and 0.00139; gnomAD exomes 0.00099 and 0.00357; TOPMed 0.00187; ExAC 0.00329; 1000 Genomes Project 30x 0.00703; 1000 Genomes Project 0.00799.
gnomAD v4.1: 1,718 of 1,612,092 alleles (0.11%); highest among the groups gnomAD compares: East Asian, 3.1%; 27 homozygotes.

Submissions (2):

Labcorp Genetics (formerly Invitae), Labcorp
Classification: Benign. Last evaluated: 2026-01-17. Review status: criteria provided, single submitter. Criteria: Invitae Variant Classification Sherloc (09022015). Collection method: clinical testing. Allele origin: germline.

PreventionGenetics, part of Exact Sciences
Classification: Benign for APC2-related condition. Last evaluated: 2019-03-25. Review status: no assertion criteria provided. Collection method: clinical testing. Allele origin: germline. Not counted in ClinVar's aggregate classification.
Comment: This variant is classified as benign based on ACMG/AMP sequence variant interpretation guidelines (Richards et al. 2015 PMID: 25741868, with internal and published modifications).

NM_005883.3(APC2):c.1611G>A (p.Leu537=)

Gene: APC2 (APC regulator of Wnt signaling pathway 2; plus strand). Cytogenetic location: 19p13.3.
Variant type: single nucleotide variant.
Coding change: c.1611G>A on transcript NM_005883.3 (MANE Select); coding-DNA position 1611, G replaced by A.
Protein change: p.Leu537=; no amino-acid change (leucine 537 retained).
Molecular consequence: synonymous variant.
Genome position (GRCh38, 1-based): chr19:1,461,126, G>A. VCF-style: chr19-1461126-G-A. GRCh37 (hg19) VCF-style: chr19-1461125-G-A.
Other names: c.1608G>A, p.Leu536= (NM_001351273.1).
Identifiers: ClinVar variation 779984 (VCV000779984.11), dbSNP rs146846351, ClinGen allele CA9045176.